The following is an entry in ClinVar:

NM_001367823.1(ARHGEF18):c.968-124G>C

Gene: ARHGEF18 (Rho/Rac guanine nucleotide exchange factor 18; plus strand). Cytogenetic location: 19p13.2.
Variant type: single nucleotide variant.
Coding change: c.968-124G>C on transcript NM_001367823.1 (MANE Select); 124 bases into the intron before coding-DNA position 968, G replaced by C.
Molecular consequence: intron variant. On other transcripts: missense variant (1), 5 prime UTR variant (1).
Genome position (GRCh38, 1-based): chr19:7,440,220, G>C. VCF-style: chr19-7440220-G-C. GRCh37 (hg19) VCF-style: chr19-7505106-G-C.
Other names: c.118G>C, p.Glu40Gln (NM_001130955.2); c.-195G>C (NM_001367824.1); c.-71-124G>C (NM_015318.4); short protein forms E40Q.
Identifiers: ClinVar variation 1407914 (VCV001407914.8), dbSNP rs1974543746, ClinGen allele CA403094487.
Genomic context (GRCh38, chr19:7,440,220, plus strand): 5'-GAGCTGTCTTTTTACGGCTCTTTCCCCAGGAAATGGAGCGAGAACGTCTTCTTGGATAAC[G>C]AGCTGCTGACCTCCAAGATCCTGTCTGTGCTGCGGCCGCAGTCGGAGCGGGGCTTCCGCG-3'

ClinVar aggregate classification (germline): Uncertain significance (1 of 4 stars; one submission).

Submission:

Labcorp Genetics (formerly Invitae), Labcorp
Classification: Uncertain significance. Last evaluated: 2021-02-11. Review status: criteria provided, single submitter. Criteria: Invitae Variant Classification Sherloc (09022015). Collection method: clinical testing. Allele origin: germline.
Comment: In summary, the available evidence is currently insufficient to determine the role of this variant in disease. Therefore, it has been classified as a Variant of Uncertain Significance. Algorithms developed to predict the effect of missense changes on protein structure and function are either unavailable or do not agree on the potential impact of this missense change (SIFT: "Deleterious"; PolyPhen-2: "Benign"; Align-GVGD: "Class C0"). This sequence change replaces glutamic acid with glutamine at codon 94 of the ARHGEF18 protein (p.Glu94Gln). The glutamic acid residue is moderately conserved and there is a small physicochemical difference between glutamic acid and glutamine. This variant is not present in population databases (ExAC no frequency). This variant has not been reported in the literature in individuals with ARHGEF18-related conditions.